The following is an entry in ClinVar:

ClinVar aggregate classification (germline): Uncertain significance (1 of 4 stars; one submission).

Submission:

Labcorp Genetics (formerly Invitae), Labcorp
Classification: Uncertain significance. Last evaluated: 2023-07-07. Review status: criteria provided, single submitter. Criteria: Invitae Variant Classification Sherloc (09022015). Collection method: clinical testing. Allele origin: germline.
Comment: This variant is present in population databases (rs746572936, gnomAD 0.006%). In summary, the available evidence is currently insufficient to determine the role of this variant in disease. Therefore, it has been classified as a Variant of Uncertain Significance. Experimental studies and prediction algorithms are not available or were not evaluated, and the functional significance of this variant is currently unknown. ClinVar contains an entry for this variant (Variation ID: 1958397). This variant has not been reported in the literature in individuals affected with TRAF3IP1-related conditions. This sequence change creates a premature translational stop signal (p.Ile678Asnfs*7) in the TRAF3IP1 gene. While this is not anticipated to result in nonsense mediated decay, it is expected to disrupt the last 14 amino acid(s) of the TRAF3IP1 protein.

NM_015650.4(TRAF3IP1):c.2032dup (p.Ile678fs)

Gene: TRAF3IP1 (TRAF3 interacting protein 1; plus strand). Cytogenetic location: 2q37.3.
Variant type: Duplication.
Coding change: c.2032dup on transcript NM_015650.4 (MANE Select); coding-DNA position 2032, one base duplicated (A; older notation c.2032dupA).
Protein change: p.Ile678fs; shifts the reading frame from isoleucine 678.
Molecular consequence: frameshift variant.
Genome position (GRCh38, 1-based): chr2:238,398,875, A duplicated; the last of 6 consecutive A bases (chr2:238,398,870-238,398,875); duplicating any one gives the same sequence. VCF-style (leftmost placement, unchanged base first): chr2-238398869-G-GA. GRCh37 (hg19) VCF-style: chr2-239307510-G-GA.
Other names: c.1834dup, p.Ile612fs (NM_001139490.1); short protein forms I678fs, I612fs.
Identifiers: ClinVar variation 1958397 (VCV001958397.5), dbSNP rs746572936, ClinGen allele CA2198637.